The following is an entry in ClinVar:

NM_139058.3(ARX):c.810_827del (p.Thr271_Ala276del)

Gene: ARX (aristaless related homeobox; minus strand). Cytogenetic location: Xp21.3.
Variant type: Deletion.
Coding change: c.810_827del on transcript NM_139058.3 (MANE Select); coding-DNA positions 810 to 827, 18 bases deleted (CACTGGCGCCGTGGCCGC).
Protein change: p.Thr271_Ala276del.
Molecular consequence: inframe deletion.
Genome position (GRCh38, 1-based): chrX:25,013,168-25,013,185, GCGGCCACGGCGCCAGTG deleted on the plus strand (CACTGGCGCCGTGGCCGC on the coding strand, the reverse complement: ARX is on the minus strand); deleting any 18 consecutive bases within chrX:25,013,168-25,013,193 gives the same sequence; the c. name uses the placement nearest the transcript's 3' end. VCF-style (leftmost placement, unchanged base first): chrX-25013167-TGCGGCCACGGCGCCAGTG-T. GRCh37 (hg19) VCF-style: chrX-25031284-TGCGGCCACGGCGCCAGTG-T.
Identifiers: ClinVar variation 5037102 (VCV005037102.1).

ClinVar aggregate classification (germline): Uncertain significance (1 of 4 stars; one submission).

Submission:

GeneDx
Classification: Uncertain significance. Last evaluated: 2026-04-16. Review status: criteria provided, single submitter. Criteria: GeneDx Variant Classification Process June 2021. Collection method: clinical testing. Allele origin: germline.
Comment: Not observed at significant frequency in large population cohorts (gnomAD); In-frame deletion of 6 amino acids in a non-repeat region; In silico analysis suggests that this variant does not alter protein structure/function; Has not been previously published as pathogenic or benign to our knowledge; This variant is associated with the following publications: (PMID: 20300201)